The following is an entry in ClinVar:

NM_005378.6(MYCN):c.-178C>A

Genes: MYCN (MYCN proto-oncogene, bHLH transcription factor; plus strand), MYCNOS (MYCN opposite strand; minus strand). Cytogenetic location: 2p24.3.
Variant type: single nucleotide variant.
Coding change: c.-178C>A on transcript NM_005378.6 (MANE Select); 178 bases upstream of the start codon, C replaced by A.
Molecular consequence: 5 prime UTR variant. On other transcripts: missense variant (2).
Genome position (GRCh38, 1-based): chr2:15,940,683, C>A. VCF-style: chr2-15940683-C-A. GRCh37 (hg19) VCF-style: chr2-16080805-C-A.
Other names: c.-488C>A (NM_001293228.2); c.97C>A, p.Pro33Thr (NM_001293231.2, NM_001293233.2); short protein forms P33T.
Identifiers: ClinVar variation 2629799 (VCV002629799.1), dbSNP rs1284866728, ClinGen allele CA759582066.
Genomic context (GRCh38, chr2:15,940,683, plus strand): 5'-CAAGCGCTAGCCAGGCGCAAGCGCGCACAGACTGTAGCCATCCGAGGACACCCCCGCCCC[C>A]CCGGCCCACCCGGAGACACCCGCGCAGAATCGCCTCCGGATCCCCTGCAGTCGGCGGGAG-3'

ClinVar aggregate classification (germline): Uncertain significance (1 of 4 stars; one submission).

Conditions:
MYCN-related disorder. Also called: MYCN-related condition.

Submission:

PreventionGenetics, part of Exact Sciences
Classification: Uncertain significance for MYCN-related condition. Last evaluated: 2023-04-09. Review status: criteria provided, single submitter. Criteria: ACMG Guidelines, 2015. Collection method: clinical testing. Allele origin: germline.
Comment: The MYCN c.97C>A variant is predicted to result in the amino acid substitution p.Pro33Thr. To our knowledge, this variant has not been reported in the literature or in a large population database, indicating this variant is rare. At this time, the clinical significance of this variant is uncertain due to the absence of conclusive functional and genetic evidence.